The following is an entry in ClinVar:

ClinVar aggregate classification (germline): Uncertain significance (1 of 4 stars; one submission).

Conditions:
Gastrointestinal stromal tumor. Also called: Gastrointestinal stromal tumor, somatic; Gastrointestinal stroma tumor. Identifiers: Orphanet 44890, MedGen C0238198, MeSH D046152, MONDO:0011719, OMIM 606764, HP:0100723.

Submission:

Labcorp Genetics (formerly Invitae), Labcorp
Classification: Uncertain significance for Gastrointestinal stromal tumor. Last evaluated: 2019-05-02. Review status: criteria provided, single submitter. Criteria: Invitae Variant Classification Sherloc (09022015). Collection method: clinical testing. Allele origin: germline.
Comment: This variant has not been reported in the literature in individuals with KIT-related conditions. In summary, the available evidence is currently insufficient to determine the role of this variant in disease. Therefore, it has been classified as a Variant of Uncertain Significance. Algorithms developed to predict the effect of missense changes on protein structure and function are either unavailable or do not agree on the potential impact of this missense change (SIFT: "Deleterious"; PolyPhen-2: "Possibly Damaging"; Align-GVGD: "Class C0"). This variant is not present in population databases (ExAC no frequency). This sequence change replaces leucine with glutamine at codon 923 of the KIT protein (p.Leu923Gln). The leucine residue is highly conserved and there is a moderate physicochemical difference between leucine and glutamine.

NM_000222.3(KIT):c.2768T>A (p.Leu923Gln)

Gene: KIT (KIT proto-oncogene, receptor tyrosine kinase; plus strand). Cytogenetic location: 4q12.
Variant type: single nucleotide variant.
Coding change: c.2768T>A on transcript NM_000222.3 (MANE Select); coding-DNA position 2768, T replaced by A.
Protein change: p.Leu923Gln; replaces leucine 923 with glutamine.
Molecular consequence: missense variant.
Genome position (GRCh38, 1-based): chr4:54,737,246, T>A. VCF-style: chr4-54737246-T-A. GRCh37 (hg19) VCF-style: chr4-55603412-T-A.
Other names: c.2756T>A, p.Leu919Gln (NM_001093772.2, NM_001385292.1); c.2771T>A, p.Leu924Gln (NM_001385284.1); c.2765T>A, p.Leu922Gln (NM_001385285.1); c.2753T>A, p.Leu918Gln (NM_001385286.1); c.2759T>A, p.Leu920Gln (NM_001385288.1); c.2768T>A, p.Leu923Gln (NM_001385290.1); short protein forms L919Q, L923Q, L918Q, L920Q, L922Q, L924Q.
Identifiers: ClinVar variation 947034 (VCV000947034.10), dbSNP rs1722972268, ClinGen allele CA356914482.